The following is an entry in ClinVar:

NM_003901.4(SGPL1):c.1469T>C (p.Leu490Pro)

Gene: SGPL1 (sphingosine-1-phosphate lyase 1; plus strand). Cytogenetic location: 10q22.1.
Variant type: single nucleotide variant.
Coding change: c.1469T>C on transcript NM_003901.4 (MANE Select); coding-DNA position 1469, T replaced by C.
Protein change: p.Leu490Pro; replaces leucine 490 with proline.
Molecular consequence: missense variant.
Genome position (GRCh38, 1-based): chr10:70,876,564, T>C. VCF-style: chr10-70876564-T-C. GRCh37 (hg19) VCF-style: chr10-72636321-T-C.
Other names: short protein forms L490P.
Identifiers: ClinVar variation 1028170 (VCV001028170.1), dbSNP rs990893468, ClinGen allele CA377126584.
Genomic context (GRCh38, chr10:70,876,564, plus strand): 5'-CTTCAAGGTTCATCTCTCTCTGTCTCTTCTTTCCTAGTATTCATTTCTGCATCACATTAC[T>C]ACACGCCCGGAAACGAGTAGCTATACAATTCCTAAAGGACATTCGAGAATCTGTCACTCA-3'
Protein context (NP_003892.2, residues 480-500): PPSIHFCITL[Leu490Pro]HARKRVAIQF

ClinVar aggregate classification (germline): Uncertain significance (1 of 4 stars; one submission).

Conditions:
Nephrotic syndrome 14. Also called: Sphingosine Phosphate Lyase Insufficiency Syndrome; RENI SYNDROME; RENAL, ENDOCRINE, NEUROLOGIC, AND IMMUNE SYNDROME. Identifiers: Orphanet 506334, MedGen C4540559, MONDO:0033203, OMIM 617575.

Submission:

Baylor Genetics
Classification: Uncertain significance for Nephrotic syndrome 14. Last evaluated: 2020-06-30. Review status: criteria provided, single submitter. Criteria: ACMG Guidelines, 2015. Collection method: clinical testing. Allele origin: de novo. Affected: yes.
Comment: This variant was determined to be of uncertain significance according to ACMG Guidelines, 2015 [PMID:25741868].